The following is an entry in ClinVar:

NM_005585.5(SMAD6):c.91G>A (p.Gly31Ser)

Gene: SMAD6 (SMAD family member 6; plus strand). Cytogenetic location: 15q22.31.
Variant type: single nucleotide variant.
Coding change: c.91G>A on transcript NM_005585.5 (MANE Select); coding-DNA position 91, G replaced by A.
Protein change: p.Gly31Ser; replaces glycine 31 with serine.
Molecular consequence: missense variant. On other transcripts: non-coding transcript variant (1).
Genome position (GRCh38, 1-based): chr15:66,703,349, G>A. VCF-style: chr15-66703349-G-A. GRCh37 (hg19) VCF-style: chr15-66995687-G-A.
Other names: c.91G>A (NM_005585.4); short protein forms G31S.
Identifiers: ClinVar variation 1020400 (VCV001020400.12), dbSNP rs770362322, ClinGen allele CA7626429.

ClinVar aggregate classification (germline): Uncertain significance. Review status: criteria provided, multiple submitters, no conflicts (2 of 4 stars). 2 submissions from 2 submitters: Uncertain significance (2). Last evaluated 2026-05-26.

Conditions:
Inborn genetic diseases. Identifiers: MedGen C0950123, MeSH D030342.
Aortic valve disease 2 (AOVD2). Identifiers: MedGen C3542024, MONDO:0013902, OMIM 614823.

Allele frequency attached by ClinVar (database versions not stated): ExAC below 0.00001; TOPMed 0.00004; gnomAD 0.00009 and 0.00011; gnomAD exomes 0.00001.
gnomAD v4.1: 23 of 1,482,048 alleles (0.0016%); highest among the groups gnomAD compares: African/African-American, 0.031%; no homozygotes.

Submissions (2):

Ambry Genetics
Classification: Uncertain significance for Inborn genetic diseases. Last evaluated: 2026-05-26. Review status: criteria provided, single submitter. Criteria: Ambry Variant Classification Scheme 2023. Collection method: clinical testing. Allele origin: germline.

Labcorp Genetics (formerly Invitae), Labcorp
Classification: Uncertain significance for Aortic valve disease 2. Last evaluated: 2025-10-23. Review status: criteria provided, single submitter. Criteria: Invitae Variant Classification Sherloc (09022015). Collection method: clinical testing. Allele origin: germline.
Comment: This sequence change replaces glycine, which is neutral and non-polar, with serine, which is neutral and polar, at codon 31 of the SMAD6 protein (p.Gly31Ser). The frequency data for this variant in the population databases is considered unreliable, as metrics indicate poor data quality at this position in the gnomAD database. This variant has not been reported in the literature in individuals affected with SMAD6-related conditions. ClinVar contains an entry for this variant (Variation ID: 1020400). An algorithm developed to predict the effect of missense changes on protein structure and function (PolyPhen-2) suggests that this variant is likely to be tolerated. In summary, the available evidence is currently insufficient to determine the role of this variant in disease. Therefore, it has been classified as a Variant of Uncertain Significance.